The following is an entry in ClinVar:

ClinVar aggregate classification (germline): Uncertain significance. Review status: criteria provided, multiple submitters, no conflicts (2 of 4 stars). 2 submissions from 2 submitters: Uncertain significance (2). Last evaluated 2025-06-15.

Conditions:
Inborn genetic diseases. Identifiers: MedGen C0950123, MeSH D030342.
Ectodermal dysplasia and immunodeficiency 2. Identifiers: Orphanet 238468, Orphanet 98813, MedGen C2677481, MONDO:0012806, OMIM 612132.

Allele frequency attached by ClinVar (database versions not stated): TOPMed 0.00003; gnomAD 0.00001; gnomAD exomes 0.00001 and below 0.00001; ExAC 0.00001.
gnomAD v4.1: 7 of 1,603,922 alleles (0.00044%); highest among the groups gnomAD compares: Admixed American, 0.0085%; no homozygotes.

Submissions (2):

Labcorp Genetics (formerly Invitae), Labcorp
Classification: Uncertain significance for Ectodermal dysplasia and immunodeficiency 2. Last evaluated: 2025-06-15. Review status: criteria provided, single submitter. Criteria: Invitae Variant Classification Sherloc (09022015). Collection method: clinical testing. Allele origin: germline.
Comment: This sequence change replaces aspartic acid, which is acidic and polar, with glutamic acid, which is acidic and polar, at codon 39 of the NFKBIA protein (p.Asp39Glu). This variant is present in population databases (rs753085459, gnomAD 0.003%). This variant has not been reported in the literature in individuals affected with NFKBIA-related conditions. ClinVar contains an entry for this variant (Variation ID: 964009). An algorithm developed to predict the effect of missense changes on protein structure and function (PolyPhen-2) suggests that this variant is likely to be tolerated. In summary, the available evidence is currently insufficient to determine the role of this variant in disease. Therefore, it has been classified as a Variant of Uncertain Significance.

Ambry Genetics
Classification: Uncertain significance for Inborn genetic diseases. Last evaluated: 2025-06-07. Review status: criteria provided, single submitter. Criteria: Ambry Variant Classification Scheme 2023. Collection method: clinical testing. Allele origin: germline.

NM_020529.3(NFKBIA):c.117C>G (p.Asp39Glu)

Gene: NFKBIA (NFKB inhibitor alpha; minus strand). Cytogenetic location: 14q13.2.
Variant type: single nucleotide variant.
Coding change: c.117C>G on transcript NM_020529.3 (MANE Select); coding-DNA position 117, C replaced by G.
Protein change: p.Asp39Glu; replaces aspartic acid 39 with glutamic acid.
Molecular consequence: missense variant.
Genome position (GRCh38, 1-based): chr14:35,404,528, G>C on the plus strand (C>G on the coding strand, the complement: NFKBIA is on the minus strand). VCF-style: chr14-35404528-G-C. GRCh37 (hg19) VCF-style: chr14-35873734-G-C.
Other names: short protein forms D39E.
Identifiers: ClinVar variation 964009 (VCV000964009.11), dbSNP rs753085459, ClinGen allele CA7155593.
Genomic context (GRCh38, chr14:35,404,528, plus strand): 5'-CACCTCCTGCGGCTCGAGGCGGATCTCCTGCAGCTCCTTGACCATCTGCTCGTACTCCTC[G>C]TCTTTCATGGAGTCCAGGCCGCTGTCGTGGCGGTCGTCCAGTAGCCGCTCCTTCTTCAGC-3'
Protein context (NP_065390.1, residues 29-49): RHDSGLDSMK[Asp39Glu]EEYEQMVKEL